The following is an entry in ClinVar:

ClinVar aggregate classification (germline): Uncertain significance. Review status: criteria provided, multiple submitters, no conflicts (2 of 4 stars). 2 submissions from 2 submitters: Uncertain significance (2). Last evaluated 2023-11-13.

Conditions:
Inborn genetic diseases. Identifiers: MedGen C0950123, MeSH D030342.
Combined immunodeficiency due to DOCK8 deficiency (HIES2). Also called: HYPER-IgE RECURRENT INFECTION SYNDROME 2, AUTOSOMAL RECESSIVE; HIES autosomal recessive; Hyper-IgE recurrent infection syndrome, autosomal recessive; HYPER-IgE SYNDROME 2, AUTOSOMAL RECESSIVE, WITH RECURRENT INFECTIONS; DOCK8 Deficiency. Identifiers: Orphanet 217390, MedGen C4722305, MONDO:0009478, OMIM 243700.

Allele frequency attached by ClinVar (database versions not stated): gnomAD exomes below 0.00001.
gnomAD v4.1: 1 of 1,614,198 alleles (0.000062%); highest among the groups gnomAD compares: Non-Finnish European, 0.000085%; no homozygotes.

Submissions (2):

Labcorp Genetics (formerly Invitae), Labcorp
Classification: Uncertain significance for Combined immunodeficiency due to DOCK8 deficiency. Last evaluated: 2023-11-13. Review status: criteria provided, single submitter. Criteria: Invitae Variant Classification Sherloc (09022015). Collection method: clinical testing. Allele origin: germline.
Comment: This sequence change replaces lysine, which is basic and polar, with arginine, which is basic and polar, at codon 1491 of the DOCK8 protein (p.Lys1491Arg). This variant is not present in population databases (gnomAD no frequency). This variant has not been reported in the literature in individuals affected with DOCK8-related conditions. ClinVar contains an entry for this variant (Variation ID: 2556719). An algorithm developed to predict the effect of missense changes on protein structure and function (PolyPhen-2) suggests that this variant is likely to be disruptive. Algorithms developed to predict the effect of sequence changes on RNA splicing suggest that this variant may disrupt the consensus splice site. In summary, the available evidence is currently insufficient to determine the role of this variant in disease. Therefore, it has been classified as a Variant of Uncertain Significance.

Ambry Genetics
Classification: Uncertain significance for Inborn genetic diseases. Last evaluated: 2023-06-05. Review status: criteria provided, single submitter. Criteria: Ambry Variant Classification Scheme 2023. Collection method: clinical testing. Allele origin: germline.

NM_203447.4(DOCK8):c.4472A>G (p.Lys1491Arg)

Gene: DOCK8 (dedicator of cytokinesis 8; plus strand). Cytogenetic location: 9p24.3.
Variant type: single nucleotide variant.
Coding change: c.4472A>G on transcript NM_203447.4 (MANE Select); coding-DNA position 4472, A replaced by G.
Protein change: p.Lys1491Arg; replaces lysine 1491 with arginine.
Molecular consequence: missense variant.
Genome position (GRCh38, 1-based): chr9:428,495, A>G. VCF-style: chr9-428495-A-G. GRCh37 (hg19) VCF-style: chr9-428495-A-G.
Other names: c.4172A>G, p.Lys1391Arg (NM_001190458.2); c.4268A>G, p.Lys1423Arg (NM_001193536.2); short protein forms K1391R, K1423R, K1491R.
Identifiers: ClinVar variation 2556719 (VCV002556719.5), dbSNP rs767950450, ClinGen allele CA372766201.